The following is an entry in ClinVar:

NM_000038.6(APC):c.1271dup (p.Glu425fs)

Gene: APC (APC regulator of Wnt signaling pathway; plus strand). Cytogenetic location: 5q22.2.
Variant type: Duplication.
Coding change: c.1271dup on transcript NM_000038.6 (MANE Select); coding-DNA position 1271, one base duplicated (A; older notation c.1271dupA).
Protein change: p.Glu425fs; shifts the reading frame from glutamic acid 425.
Molecular consequence: frameshift variant. On other transcripts: non-coding transcript variant (2).
Genome position (GRCh38, 1-based): chr5:112,819,303, A duplicated. VCF-style (leftmost placement, unchanged base first): chr5-112819302-C-CA. GRCh37 (hg19) VCF-style: chr5-112154999-C-CA.
Other names: c.1271dup, p.Glu425fs (NM_001127510.3, NM_001354895.2, NM_001354896.2 and 4 more transcripts); c.1217dup, p.Glu407fs (NM_001127511.3); c.1301dup, p.Glu435fs (NM_001354897.2, NM_001407446.1); c.1196dup, p.Glu400fs (NM_001354898.2, NM_001407451.1); c.1187dup, p.Glu397fs (NM_001354899.2, NM_001407452.1); c.1094dup, p.Glu366fs (NM_001354900.2, NM_001354901.2, NM_001407453.1); c.998dup, p.Glu334fs (NM_001354902.2); c.968dup, p.Glu324fs (NM_001354903.2, NM_001407454.1, NM_001407455.1 and 5 more transcripts); and 5 more; short protein forms E142fs, E265fs, E296fs, E299fs, E324fs, E334fs, E366fs, E397fs.
Identifiers: ClinVar variation 4533201 (VCV004533201.1).

ClinVar aggregate classification (germline): Likely pathogenic (1 of 4 stars; one submission).

Conditions:
Familial adenomatous polyposis 1 (FAP1). Also called: FAMILIAL ADENOMATOUS POLYPOSIS 1, ATTENUATED; POLYPOSIS, ADENOMATOUS INTESTINAL. Identifiers: MedGen C2713442, MONDO:0021056, OMIM 175100. Disease mechanism: loss of function.

Submission:

Programa de cancer hereditario, Instituto de medicina traslacional e ingenieria biomedica, Hospital Italiano de Buenos Aires
Classification: Likely pathogenic for Familial adenomatous polyposis 1. Last evaluated: 2025-11-01. Review status: criteria provided, single submitter. Criteria: Yin et al. (Am J Hum Genet. 2024). Collection method: research. Allele origin: germline. Affected: yes. Observed: 1 variant allele, 1 heterozygote.
Comment: Evaluation following ClinGen Hereditary Cancer VCEP guidelines identifies this variant as Likely Pathogenic. Criteria met: PVS1: Null variant (nonsense, frameshift, canonical ±1 or 2 splice sites, initiation codon, single or multi-exon deletion) in a gene where LOF is a known mechanism of disease. PM2 (Supporting): Absent from controls (or at extremely low frequency) in ExAC, gnomAD, or 1000 Genomes.